The following is an entry in ClinVar:

ClinVar aggregate classification (germline): Likely benign. Review status: criteria provided, multiple submitters, no conflicts (2 of 4 stars). 3 submissions from 3 submitters: Likely benign (3). Last evaluated 2025-11-17.

Conditions:
Hereditary cancer-predisposing syndrome. Also called: Tumor predisposition; Hereditary neoplastic syndrome; Hereditary Cancer Syndrome; Neoplastic Syndromes, Hereditary. Identifiers: Orphanet 140162, MedGen C0027672, MeSH D009386, MONDO:0015356.
Neuroblastoma, susceptibility to, 3. Also called: ALK-Related Neuroblastic Tumor Susceptibility. Identifiers: Orphanet 635, MedGen C2751681, MONDO:0013083, OMIM 613014.

Allele frequency attached by ClinVar (database versions not stated): gnomAD 0.00001; gnomAD exomes 0.00001; ExAC 0.00002.
gnomAD v4.1: 9 of 1,613,888 alleles (0.00056%); highest among the groups gnomAD compares: Admixed American, 0.0017%; no homozygotes.

Submissions (3):

Labcorp Genetics (formerly Invitae), Labcorp
Classification: Likely benign for Neuroblastoma, susceptibility to, 3. Last evaluated: 2025-11-17. Review status: criteria provided, single submitter. Criteria: Invitae Variant Classification Sherloc (09022015). Collection method: clinical testing. Allele origin: germline.

CeGaT Center for Human Genetics Tuebingen
Classification: Likely benign. Last evaluated: 2025-08-01. Review status: criteria provided, single submitter. Criteria: CeGaT Center For Human Genetics Tuebingen Variant Classification Criteria Version 2. Collection method: clinical testing. Allele origin: germline. Affected: yes. Observed: 1 variant allele.
Comment: ALK: BP4, BP7

Ambry Genetics
Classification: Likely benign for Hereditary cancer-predisposing syndrome. Last evaluated: 2022-02-13. Review status: criteria provided, single submitter. Criteria: Ambry Variant Classification Scheme 2023. Collection method: clinical testing. Allele origin: germline.

NM_004304.5(ALK):c.2328G>A (p.Gly776=)

Gene: ALK (ALK receptor tyrosine kinase; minus strand). Cytogenetic location: 2p23.2.
Variant type: single nucleotide variant.
Coding change: c.2328G>A on transcript NM_004304.5 (MANE Select); coding-DNA position 2328, G replaced by A.
Protein change: p.Gly776=; no amino-acid change (glycine 776 retained).
Molecular consequence: synonymous variant.
Genome position (GRCh38, 1-based): chr2:29,239,707, C>T on the plus strand (G>A on the coding strand, the complement: ALK is on the minus strand). VCF-style: chr2-29239707-C-T. GRCh37 (hg19) VCF-style: chr2-29462573-C-T.
Identifiers: ClinVar variation 412905 (VCV000412905.20), dbSNP rs764607514, ClinGen allele CA1594362.